The following is an entry in ClinVar:

NM_139343.3(BIN1):c.284C>T (p.Pro95Leu)

Gene: BIN1 (bridging integrator 1; minus strand). Cytogenetic location: 2q14.3.
Variant type: single nucleotide variant.
Coding change: c.284C>T on transcript NM_139343.3 (MANE Select); coding-DNA position 284, C replaced by T.
Protein change: p.Pro95Leu; replaces proline 95 with leucine.
Molecular consequence: missense variant.
Genome position (GRCh38, 1-based): chr2:127,070,584, G>A on the plus strand (C>T on the coding strand, the complement: BIN1 is on the minus strand). VCF-style: chr2-127070584-G-A. GRCh37 (hg19) VCF-style: chr2-127828160-G-A.
Other names: c.284C>T, p.Pro95Leu (NM_139344.3, NM_139345.3, NM_139346.3 and 10 more transcripts); c.212C>T, p.Pro71Leu (NM_001320634.1); c.203C>T, p.Pro68Leu (NM_001320642.1); short protein forms P68L, P71L, P95L.
Identifiers: ClinVar variation 2900826 (VCV002900826.3), dbSNP rs1685750277, ClinGen allele CA348369398.

ClinVar aggregate classification (germline): Uncertain significance (1 of 4 stars; one submission).

Conditions:
Myopathy, centronuclear, 2 (CNM2). Also called: MYOTUBULAR MYOPATHY, AUTOSOMAL RECESSIVE. Identifiers: Orphanet 169186, MedGen CN031787, MONDO:0009709, OMIM 255200.

Allele frequency attached by ClinVar (database versions not stated): TOPMed below 0.00001; gnomAD 0.00001.

Submission:

Labcorp Genetics (formerly Invitae), Labcorp
Classification: Uncertain significance for Myopathy, centronuclear, 2. Last evaluated: 2023-05-11. Review status: criteria provided, single submitter. Criteria: Invitae Variant Classification Sherloc (09022015). Collection method: clinical testing. Allele origin: germline.
Comment: Advanced modeling of protein sequence and biophysical properties (such as structural, functional, and spatial information, amino acid conservation, physicochemical variation, residue mobility, and thermodynamic stability) performed at Invitae indicates that this missense variant is not expected to disrupt BIN1 protein function. In summary, the available evidence is currently insufficient to determine the role of this variant in disease. Therefore, it has been classified as a Variant of Uncertain Significance. This variant has not been reported in the literature in individuals affected with BIN1-related conditions. This variant is not present in population databases (gnomAD no frequency). This sequence change replaces proline, which is neutral and non-polar, with leucine, which is neutral and non-polar, at codon 95 of the BIN1 protein (p.Pro95Leu).